The following is an entry in ClinVar:

NM_001143981.2(CHRDL1):c.1085C>T (p.Thr362Ile)

Gene: CHRDL1 (chordin like 1; minus strand). Cytogenetic location: Xq23.
Variant type: single nucleotide variant.
Coding change: c.1085C>T on transcript NM_001143981.2 (MANE Select); coding-DNA position 1085, C replaced by T.
Protein change: p.Thr362Ile; replaces threonine 362 with isoleucine.
Molecular consequence: missense variant. On other transcripts: non-coding transcript variant (1).
Genome position (GRCh38, 1-based): chrX:110,681,553, G>A on the plus strand (C>T on the coding strand, the complement: CHRDL1 is on the minus strand). VCF-style: chrX-110681553-G-A. GRCh37 (hg19) VCF-style: chrX-109924781-G-A.
Other names: c.1082C>T, p.Thr361Ile (NM_001143982.2); c.845C>T, p.Thr282Ile (NM_001143983.3); c.1085C>T, p.Thr362Ile (NM_001367204.1, NM_001367209.1); c.1070C>T, p.Thr357Ile (NM_001367205.1, NM_001367206.1); c.1067C>T, p.Thr356Ile (NM_001367207.1, NM_001367208.1); c.1079C>T, p.Thr360Ile (NM_145234.4); short protein forms T360I, T361I, T282I, T356I, T362I, T357I.
Identifiers: ClinVar variation 4704036 (VCV004704036.1).

ClinVar aggregate classification (germline): Uncertain significance (1 of 4 stars; one submission).

gnomAD v4.1: 5 of 1,203,944 alleles (0.00042%); highest among the groups gnomAD compares: Admixed American, 0.0066%; no homozygotes.

Submission:

Labcorp Genetics (formerly Invitae), Labcorp
Classification: Uncertain significance. Last evaluated: 2025-10-01. Review status: criteria provided, single submitter. Criteria: Invitae Variant Classification Sherloc (09022015). Collection method: clinical testing. Allele origin: germline.
Comment: This sequence change replaces threonine, which is neutral and polar, with isoleucine, which is neutral and non-polar, at codon 362 of the CHRDL1 protein (p.Thr362Ile). This variant is not present in population databases (gnomAD no frequency). This variant has not been reported in the literature in individuals affected with CHRDL1-related conditions. Invitae Evidence Modeling of protein sequence and biophysical properties (such as structural, functional, and spatial information, amino acid conservation, physicochemical variation, residue mobility, and thermodynamic stability) indicates that this missense variant is not expected to disrupt CHRDL1 protein function with a negative predictive value of 80%. In summary, the available evidence is currently insufficient to determine the role of this variant in disease. Therefore, it has been classified as a Variant of Uncertain Significance.